The following is an entry in ClinVar:

ClinVar aggregate classification (germline): Uncertain significance (1 of 4 stars; one submission).

Conditions:
Transcobalamin II deficiency (TCN2D). Also called: Transcolabamin II deficiency; TC II DEFICIENCY; TCN2 DEFICIENCY. Identifiers: Orphanet 859, MedGen C0342701, MONDO:0010149, OMIM 275350.

Allele frequency attached by ClinVar (database versions not stated): ExAC 0.00002; gnomAD exomes 0.00002; 1000 Genomes Project 30x 0.00016; 1000 Genomes Project 0.00020.

Submission:

Labcorp Genetics (formerly Invitae), Labcorp
Classification: Uncertain significance for Transcobalamin II deficiency. Last evaluated: 2022-07-06. Review status: criteria provided, single submitter. Criteria: Invitae Variant Classification Sherloc (09022015). Collection method: clinical testing. Allele origin: germline.
Comment: This sequence change replaces glutamic acid, which is acidic and polar, with lysine, which is basic and polar, at codon 91 of the TCN2 protein (p.Glu91Lys). This variant is present in population databases (rs559879608, gnomAD 0.007%). This variant has not been reported in the literature in individuals affected with TCN2-related conditions. ClinVar contains an entry for this variant (Variation ID: 1518287). Algorithms developed to predict the effect of missense changes on protein structure and function output the following: SIFT: "Tolerated"; PolyPhen-2: "Benign"; Align-GVGD: "Class C0". The lysine amino acid residue is found in multiple mammalian species, which suggests that this missense change does not adversely affect protein function. In summary, the available evidence is currently insufficient to determine the role of this variant in disease. Therefore, it has been classified as a Variant of Uncertain Significance.

NM_000355.4(TCN2):c.271G>A (p.Glu91Lys)

Gene: TCN2 (transcobalamin 2; plus strand). Cytogenetic location: 22q12.2.
Variant type: single nucleotide variant.
Coding change: c.271G>A on transcript NM_000355.4 (MANE Select); coding-DNA position 271, G replaced by A.
Protein change: p.Glu91Lys; replaces glutamic acid 91 with lysine.
Molecular consequence: missense variant.
Genome position (GRCh38, 1-based): chr22:30,612,886, G>A. VCF-style: chr22-30612886-G-A. GRCh37 (hg19) VCF-style: chr22-31008873-G-A.
Other names: c.271G>A, p.Glu91Lys (NM_001184726.2); short protein forms E91K.
Identifiers: ClinVar variation 1518287 (VCV001518287.3), dbSNP rs559879608, ClinGen allele CA10184568.